The following is an entry in ClinVar:

NM_148960.3(CLDN19):c.128C>T (p.Ala43Val)

Gene: CLDN19 (claudin 19; minus strand). Cytogenetic location: 1p34.2.
Variant type: single nucleotide variant.
Coding change: c.128C>T on transcript NM_148960.3 (MANE Select); coding-DNA position 128, C replaced by T.
Protein change: p.Ala43Val; replaces alanine 43 with valine.
Molecular consequence: missense variant.
Genome position (GRCh38, 1-based): chr1:42,739,936, G>A on the plus strand (C>T on the coding strand, the complement: CLDN19 is on the minus strand). VCF-style: chr1-42739936-G-A. GRCh37 (hg19) VCF-style: chr1-43205607-G-A.
Other names: c.128C>T, p.Ala43Val (NM_001123395.2, NM_001185117.2); short protein forms A43V.
Identifiers: ClinVar variation 64479 (VCV000064479.2), dbSNP rs387907421, ClinGen allele CA216233.

ClinVar aggregate classification (germline): Uncertain significance (0 of 4 stars; one submission).

Allele frequency attached by ClinVar (database versions not stated): gnomAD exomes below 0.00001.
gnomAD v4.1: 1 of 1,611,098 alleles (0.000062%); highest among the groups gnomAD compares: South Asian, 0.0011%; no homozygotes.

Submission:

Martin Pollak Laboratory,  Beth Israel Deaconess Medical Center
Classification: Uncertain significance. Review status: no assertion criteria provided. Collection method: not provided. Allele origin: unknown.
Comment: Higher UCa2+ group
ClinVar note: Converted during submission from unknown to Uncertain significance.